The following is an entry in ClinVar:

ClinVar aggregate classification (germline): Uncertain significance (1 of 4 stars; one submission).

Submission:

Labcorp Genetics (formerly Invitae), Labcorp
Classification: Uncertain significance. Last evaluated: 2023-10-12. Review status: criteria provided, single submitter. Criteria: Invitae Variant Classification Sherloc (09022015). Collection method: clinical testing. Allele origin: germline.
Comment: This sequence change replaces threonine, which is neutral and polar, with isoleucine, which is neutral and non-polar, at codon 267 of the FOXP1 protein (p.Thr267Ile). This variant is not present in population databases (gnomAD no frequency). This variant has not been reported in the literature in individuals affected with FOXP1-related conditions. Advanced modeling of protein sequence and biophysical properties (such as structural, functional, and spatial information, amino acid conservation, physicochemical variation, residue mobility, and thermodynamic stability) performed at Invitae indicates that this missense variant is not expected to disrupt FOXP1 protein function. In summary, the available evidence is currently insufficient to determine the role of this variant in disease. Therefore, it has been classified as a Variant of Uncertain Significance.

NM_001349338.3(FOXP1):c.800C>T (p.Thr267Ile)

Gene: FOXP1 (forkhead box P1; minus strand). Cytogenetic location: 3p13.
Variant type: single nucleotide variant.
Coding change: c.800C>T on transcript NM_001349338.3 (MANE Select); coding-DNA position 800, C replaced by T.
Protein change: p.Thr267Ile; replaces threonine 267 with isoleucine.
Molecular consequence: missense variant. On other transcripts: non-coding transcript variant (2).
Genome position (GRCh38, 1-based): chr3:71,041,397, G>A on the plus strand (C>T on the coding strand, the complement: FOXP1 is on the minus strand). VCF-style: chr3-71041397-G-A. GRCh37 (hg19) VCF-style: chr3-71090548-G-A.
Other names: c.800C>T, p.Thr267Ile (NM_001244808.3, NM_001244810.2, NM_001244814.3 and 4 more transcripts); c.572C>T, p.Thr191Ile (NM_001244812.3); c.500C>T, p.Thr167Ile (NM_001244813.3, NM_001244815.2, NM_001349342.3 and 1 more transcripts); c.497C>T, p.Thr166Ile (NM_001349337.2, NM_001349343.3, NM_001349344.3); c.797C>T, p.Thr266Ile (NM_001349341.3); short protein forms T167I, T191I, T266I, T267I, T166I.
Identifiers: ClinVar variation 2767764 (VCV002767764.3), dbSNP rs2545770412, ClinGen allele CA353562691.